The following is an entry in ClinVar:

NM_003001.5(SDHC):c.370C>T (p.Leu124Phe)

Gene: SDHC (succinate dehydrogenase complex subunit C; plus strand). Cytogenetic location: 1q23.3.
Variant type: single nucleotide variant.
Coding change: c.370C>T on transcript NM_003001.5 (MANE Select); coding-DNA position 370, C replaced by T.
Protein change: p.Leu124Phe; replaces leucine 124 with phenylalanine.
Molecular consequence: missense variant. On other transcripts: non-coding transcript variant (1), intron variant (3).
Genome position (GRCh38, 1-based): chr1:161,356,805, C>T. VCF-style: chr1-161356805-C-T. GRCh37 (hg19) VCF-style: chr1-161326595-C-T.
Other names: c.268C>T, p.Leu90Phe (NM_001035512.3); c.211C>T, p.Leu71Phe (NM_001035513.3); c.490C>T, p.Leu164Phe (NM_001407115.1); c.313C>T, p.Leu105Phe (NM_001407116.1); c.307C>T, p.Leu103Phe (NM_001407117.1); c.262C>T, p.Leu88Phe (NM_001407118.1); c.259C>T, p.Leu87Phe (NM_001407119.1, NM_001407120.1); c.242-5524C>T (NM_001035511.3); and 2 more; short protein forms L124F, L71F, L90F, L105F, L164F, L103F, L87F, L88F.
Identifiers: ClinVar variation 837479 (VCV000837479.12), dbSNP rs1571890420, ClinGen allele CA343456653.
Genomic context (GRCh38, chr1:161,356,805, plus strand): 5'-AAGTCCCTGTGTCTGGGGCCAGCACTGATCCACACAGCTAAGTTTGCACTTGTCTTCCCT[C>T]TCATGTATCATACCTGGAATGGGATCCGACACTTGGTAAGTTAATTCGGGATTTGCACAT-3'
Protein context (NP_002992.1, residues 114-134): HTAKFALVFP[Leu124Phe]MYHTWNGIRH

ClinVar aggregate classification (germline): Uncertain significance. Review status: criteria provided, multiple submitters, no conflicts (2 of 4 stars). 3 submissions from 3 submitters: Uncertain significance (3). Last evaluated 2025-05-21.

Conditions:
Gastrointestinal stromal tumor. Also called: Gastrointestinal stroma tumor; Gastrointestinal stromal tumor, somatic. Identifiers: Orphanet 44890, MedGen C0238198, MeSH D046152, MONDO:0011719, OMIM 606764, HP:0100723.
Pheochromocytoma/paraganglioma syndrome 3. Also called: GLOMUS TUMORS, FAMILIAL, 3; SDHC-Related Hereditary Paraganglioma-Pheochromocytoma Syndrome (Paragangliomas 3); Paragangliomas 3; SDHC-Related Hereditary Paraganglioma-Pheochromocytoma Syndrome. Identifiers: Orphanet 29072, MedGen C1854336, MONDO:0011544, OMIM 605373.
Hereditary cancer-predisposing syndrome. Also called: Hereditary Cancer Syndrome; Neoplastic Syndromes, Hereditary; Hereditary neoplastic syndrome; Tumor predisposition. Identifiers: Orphanet 140162, MedGen C0027672, MeSH D009386, MONDO:0015356.

Allele frequency attached by ClinVar (database versions not stated): gnomAD exomes below 0.00001; gnomAD 0.00001; TOPMed 0.00001.
gnomAD v4.1: 4 of 1,614,034 alleles (0.00025%); highest among the groups gnomAD compares: Admixed American, 0.0017%; no homozygotes.

Submissions (3):

Ambry Genetics
Classification: Uncertain significance for Hereditary cancer-predisposing syndrome. Last evaluated: 2025-05-21. Review status: criteria provided, single submitter. Criteria: Ambry Variant Classification Scheme 2023. Collection method: clinical testing. Allele origin: germline.
Comment: The p.L124F variant (also known as c.370C>T), located in coding exon 5 of the SDHC gene, results from a C to T substitution at nucleotide position 370. The leucine at codon 124 is replaced by phenylalanine, an amino acid with highly similar properties. This amino acid position is conserved. In addition, the in silico prediction for this alteration is inconclusive. Since supporting evidence is limited at this time, the clinical significance of this alteration remains unclear.

Labcorp Genetics (formerly Invitae), Labcorp
Classification: Uncertain significance for Pheochromocytoma/paraganglioma syndrome 3; Gastrointestinal stromal tumor. Last evaluated: 2024-03-16. Review status: criteria provided, single submitter. Criteria: Invitae Variant Classification Sherloc (09022015). Collection method: clinical testing. Allele origin: germline.
Comment: This sequence change replaces leucine, which is neutral and non-polar, with phenylalanine, which is neutral and non-polar, at codon 124 of the SDHC protein (p.Leu124Phe). This variant is not present in population databases (gnomAD no frequency). This variant has not been reported in the literature in individuals affected with SDHC-related conditions. ClinVar contains an entry for this variant (Variation ID: 837479). An algorithm developed to predict the effect of missense changes on protein structure and function (PolyPhen-2) suggests that this variant is likely to be tolerated. In summary, the available evidence is currently insufficient to determine the role of this variant in disease. Therefore, it has been classified as a Variant of Uncertain Significance.

Blueprint Genetics
Classification: Uncertain significance. Last evaluated: 2021-07-20. Review status: criteria provided, single submitter. Criteria: ACMG Guidelines, 2015. Collection method: clinical testing. Allele origin: germline.